The following is an entry in ClinVar:

NM_018052.5(VAC14):c.1867C>T (p.Arg623Cys)

Gene: VAC14 (VAC14 component of PIKFYVE complex; minus strand). Cytogenetic location: 16q22.1.
Variant type: single nucleotide variant.
Coding change: c.1867C>T on transcript NM_018052.5 (MANE Select); coding-DNA position 1867, C replaced by T.
Protein change: p.Arg623Cys; replaces arginine 623 with cysteine.
Molecular consequence: missense variant.
Genome position (GRCh38, 1-based): chr16:70,697,227, G>A on the plus strand (C>T on the coding strand, the complement: VAC14 is on the minus strand). VCF-style: chr16-70697227-G-A. GRCh37 (hg19) VCF-style: chr16-70731130-G-A.
Other names: c.1165C>T, p.Arg389Cys (NM_001351157.2); short protein forms R389C, R623C.
Identifiers: ClinVar variation 1339182 (VCV001339182.7), dbSNP rs1309543103, ClinGen allele CA396589662.
Genomic context (GRCh38, chr16:70,697,227, plus strand): 5'-GGTAGTTCTGGGTGAGGAAGCAGAGGGACACCGTGGTGACTGGGTTGTGGCACCAGGAGC[G>A]GTACAGGCAGCAGAACAGGTTCTGGCTCTCCTGTGGGGGAACAGGCATGAGCCGTGAGGA-3'
Protein context (NP_060522.3, residues 613-633): ESQNLFCCLY[Arg623Cys]SWCHNPVTTV

ClinVar aggregate classification (germline): Uncertain significance. Review status: criteria provided, multiple submitters, no conflicts (2 of 4 stars). 2 submissions from 2 submitters: Uncertain significance (2). Last evaluated 2022-08-02.

Conditions:
Striatonigral degeneration, childhood-onset (SNDC). Also called: LENK-PLOSKI SYNDROME. Identifiers: Orphanet 497906, MedGen C4310743, MONDO:0014889, OMIM 617054.

Allele frequency attached by ClinVar (database versions not stated): gnomAD 0.00001; TOPMed 0.00001.
gnomAD v4.1: 8 of 1,613,858 alleles (0.0005%); highest among the groups gnomAD compares: African/African-American, 0.0013%; no homozygotes.

Submissions (2):

Labcorp Genetics (formerly Invitae), Labcorp
Classification: Uncertain significance. Last evaluated: 2022-08-02. Review status: criteria provided, single submitter. Criteria: Invitae Variant Classification Sherloc (09022015). Collection method: clinical testing. Allele origin: germline.
Comment: In summary, the available evidence is currently insufficient to determine the role of this variant in disease. Therefore, it has been classified as a Variant of Uncertain Significance. Algorithms developed to predict the effect of missense changes on protein structure and function (SIFT, PolyPhen-2, Align-GVGD) all suggest that this variant is likely to be disruptive. ClinVar contains an entry for this variant (Variation ID: 1339182). This variant has not been reported in the literature in individuals affected with VAC14-related conditions. This variant is present in population databases (no rsID available, gnomAD 0.004%). This sequence change replaces arginine, which is basic and polar, with cysteine, which is neutral and slightly polar, at codon 623 of the VAC14 protein (p.Arg623Cys).

Neuberg Centre For Genomic Medicine, NCGM
Classification: Uncertain significance for Striatonigral degeneration, childhood-onset. Review status: criteria provided, single submitter. Criteria: ACMG Guidelines, 2015. Collection method: clinical testing. Allele origin: germline. Affected: yes.
Comment: The missense variant p.R623C in VAC14 (NM_018052.5) has not been reported previously as a pathogenic variant nor as a benign variant, to our knowledge. The p.R623C variant is novel (not in any individuals) in gnomAD and 1000 Genomes. There is a large physicochemical difference between arginine and cysteine, which is likely to impact secondary protein structure as these residues differ in polarity, charge, size and/or other properties. The p.R623C missense variant is predicted to be damaging by both SIFT and PolyPhen2. The arginine residue at codon 623 of VAC14 is conserved in all mammalian species. The nucleotide c.1867 in VAC14 is predicted conserved by GERP++ and PhyloP across 100 vertebrates. For these reasons, this variant has been classified as Uncertain Significance.